The following is an entry in ClinVar:

NM_006265.3(RAD21):c.1315G>A (p.Val439Ile)

Gene: RAD21 (RAD21 cohesin complex component; minus strand). Cytogenetic location: 8q24.11.
Variant type: single nucleotide variant.
Coding change: c.1315G>A on transcript NM_006265.3 (MANE Select); coding-DNA position 1315, G replaced by A.
Protein change: p.Val439Ile; replaces valine 439 with isoleucine.
Molecular consequence: missense variant.
Genome position (GRCh38, 1-based): chr8:116,852,555, C>T on the plus strand (G>A on the coding strand, the complement: RAD21 is on the minus strand). VCF-style: chr8-116852555-C-T. GRCh37 (hg19) VCF-style: chr8-117864794-C-T.
Other names: short protein forms V439I.
Identifiers: ClinVar variation 3716037 (VCV003716037.2).

ClinVar aggregate classification (germline): Uncertain significance (1 of 4 stars; one submission).

Conditions:
Cornelia de Lange syndrome 4 (CDLS4). Also called: RAD21-Related Cornelia de Lange Syndrome; CORNELIA DE LANGE SYNDROME 4 WITH OR WITHOUT MIDLINE BRAIN DEFECTS. Identifiers: Orphanet 199, MedGen C3553517, MONDO:0013864, OMIM 614701.

gnomAD v4.1: 1 of 1,611,096 alleles (0.000062%); highest among the groups gnomAD compares: Admixed American, 0.0017%; no homozygotes.

Submission:

Labcorp Genetics (formerly Invitae), Labcorp
Classification: Uncertain significance for Cornelia de Lange syndrome 4. Last evaluated: 2025-10-17. Review status: criteria provided, single submitter. Criteria: Invitae Variant Classification Sherloc (09022015). Collection method: clinical testing. Allele origin: germline.
Comment: This sequence change replaces valine, which is neutral and non-polar, with isoleucine, which is neutral and non-polar, at codon 439 of the RAD21 protein (p.Val439Ile). This variant is not present in population databases (gnomAD no frequency). This variant has not been reported in the literature in individuals affected with RAD21-related conditions. ClinVar contains an entry for this variant (Variation ID: 3716037). Invitae Evidence Modeling of protein sequence and biophysical properties (such as structural, functional, and spatial information, amino acid conservation, physicochemical variation, residue mobility, and thermodynamic stability) indicates that this missense variant is not expected to disrupt RAD21 protein function with a negative predictive value of 95%. In summary, the available evidence is currently insufficient to determine the role of this variant in disease. Therefore, it has been classified as a Variant of Uncertain Significance.